The following is an entry in ClinVar:

ClinVar aggregate classification (germline): Likely pathogenic (1 of 4 stars; one submission).

Conditions:
Cystic fibrosis (CF). Also called: MUCOVISCIDOSIS. Identifiers: Orphanet 586, MedGen C0010674, MONDO:0009061, OMIM 219700. Disease mechanism: loss of function.

Submission:

Myriad Genetics, Inc.
Classification: Likely pathogenic for Cystic fibrosis. Last evaluated: 2022-05-23. Review status: criteria provided, single submitter. Criteria: Myriad Women's Health Autosomal Recessive and X-Linked Classification Criteria (2021). Collection method: clinical testing. Allele origin: unknown.
Comment: NM_000492.3(CFTR):c.1663A>T(R555*) is expected to be pathogenic in the context of cystic fibrosis. This variant is predicted to lead to an abnormal or absent protein product due to the creation of a premature termination codon in CFTR, a gene where loss-of-function variants are known to be pathogenic. Please note: this variant was assessed in the context of healthy population screening.

NM_000492.4(CFTR):c.1663A>T (p.Arg555Ter)

Genes: CFTR (CF transmembrane conductance regulator; plus strand), LOC111674475 (CFTR intron 11 enhancer; plus strand). Cytogenetic location: 7q31.2.
Variant type: single nucleotide variant.
Coding change: c.1663A>T on transcript NM_000492.4 (MANE Select); coding-DNA position 1663, A replaced by T.
Protein change: p.Arg555Ter; replaces arginine 555 with a stop codon.
Molecular consequence: nonsense.
Genome position (GRCh38, 1-based): chr7:117,587,817, A>T. VCF-style: chr7-117587817-A-T. GRCh37 (hg19) VCF-style: chr7-117227871-A-T.
Other names: short protein forms R555*.
Identifiers: ClinVar variation 1726206 (VCV001726206.2), dbSNP rs397508255, ClinGen allele CA368976149.